The following is an entry in ClinVar:

ClinVar aggregate classification (germline): Pathogenic/Likely pathogenic. Review status: criteria provided, multiple submitters, no conflicts (2 of 4 stars). 7 submissions from 7 submitters: Pathogenic (2); Likely pathogenic (4). 1 of the submissions does not count toward it. Last evaluated 2024-09-20.

Conditions:
NPHP3-related disorder. Also called: NPHP3-related disorders; NPHP3-related condition. Identifiers: MedGen CN379163.
Joubert syndrome and related disorders. Identifiers: Orphanet 140874, MedGen C5679612, MONDO:0015369.
Nephronophthisis 3 (NPHP3). Also called: Adolescent nephronophthisis. Identifiers: Orphanet 655, MedGen C1858392, MONDO:0011456, OMIM 604387.
NPHP3-related Meckel-like syndrome. Also called: Meckel syndrome type 7; GOLDSTON SYNDROME. Identifiers: Orphanet 3032, MedGen C2673885, MONDO:0009966, OMIM 267010.
Renal-hepatic-pancreatic dysplasia 1 (RHPD1). Identifiers: MedGen C3715199, MONDO:0008833, OMIM 208540.
Nephronophthisis. Also called: Juvenile Nephronophthisis. Identifiers: Orphanet 655, MedGen C0687120, MONDO:0019005, HP:0000090.

Allele frequency attached by ClinVar (database versions not stated): gnomAD exomes 0.00002 and below 0.00001; TOPMed below 0.00001; ExAC 0.00001.
gnomAD v4.1: 5 of 1,614,024 alleles (0.00031%); highest among the groups gnomAD compares: East Asian, 0.011%; no homozygotes.

Submissions (7):

Victorian Clinical Genetics Services, Murdoch Childrens Research Institute
Classification: Pathogenic for Nephronophthisis 3. Last evaluated: 2024-09-20. Review status: criteria provided, single submitter. Criteria: ACMG Guidelines, 2015. Collection method: clinical testing. Allele origin: germline. Inheritance: Autosomal recessive inheritance. Affected: yes.
Comment: Based on the classification scheme VCGS_Germline_v1.3.4, this variant is classified as Pathogenic. Following criteria are met: 0102 - Loss of function is a known mechanism of disease in this gene and is associated with Meckel syndrome 7 (MIM#267010), nephronophthisis 3 (MIM#604387) and renal-hepatic-pancreatic dysplasia 1 (MIM#208540). (I) 0106 - This gene is associated with autosomal recessive disease. (I) 0200 - Variant is predicted to result in a missense amino acid change from leucine to proline. (I) 0251 - This variant is heterozygous. (I) 0304 - Variant is present in gnomAD <0.01 for a recessive condition (v2: 5 heterozygotes, 0 homozygotes). (SP) 0309 - An alternative amino acid change at the same position has been observed in gnomAD (v2) (1 heterozygote, 0 homozygotes). (I) 0502 - Missense variant with conflicting in silico predictions and moderate conservation. (I) 0604 - Variant is not located in an established domain, motif, hotspot or informative constraint region. (I) 0705 - No comparable missense variants have previous evidence for pathogenicity. (I) 0801 - This variant has strong previous evidence of pathogenicity in unrelated individuals. This variant has been identified along with another NPHP3 variant in at least nine individuals with NPHP3-related features (ClinVar, PMIDs: 23559409, 33323469, 26184788). (SP) 0905 - No published segregation evidence has been identified for this variant. (I) 1007 - No published functional evidence has been identified for this variant. (I) 1208 - Inheritance information for this variant is not currently available in this individual. (I) Legend: (SP) - Supporting pathogenic, (I) - Information, (SB) - Supporting benign

Fulgent Genetics
Classification: Likely pathogenic for Renal-hepatic-pancreatic dysplasia 1; NPHP3-related Meckel-like syndrome; Nephronophthisis 3. Last evaluated: 2024-01-09. Review status: criteria provided, single submitter. Criteria: ACMG Guidelines, 2015. Collection method: clinical testing. Allele origin: germline.

Labcorp Genetics (formerly Invitae), Labcorp
Classification: Pathogenic for Nephronophthisis. Last evaluated: 2023-08-17. Review status: criteria provided, single submitter. Criteria: Invitae Variant Classification Sherloc (09022015). Collection method: clinical testing. Allele origin: germline.
Comment: Advanced modeling of protein sequence and biophysical properties (such as structural, functional, and spatial information, amino acid conservation, physicochemical variation, residue mobility, and thermodynamic stability) performed at Invitae indicates that this missense variant is expected to disrupt NPHP3 protein function. For these reasons, this variant has been classified as Pathogenic. This variant is present in population databases (rs398124546, gnomAD 0.03%). This sequence change replaces leucine, which is neutral and non-polar, with proline, which is neutral and non-polar, at codon 790 of the NPHP3 protein (p.Leu790Pro). ClinVar contains an entry for this variant (Variation ID: 96511). This missense change has been observed in individuals with nephronopthisis (PMID: 26184788, 31131822, 33323469, 34031707).

Women's Health and Genetics/Laboratory Corporation of America, LabCorp
Classification: Likely pathogenic for Joubert syndrome and related disorders. Last evaluated: 2022-08-08. Review status: criteria provided, single submitter. Criteria: LabCorp Variant Classification Summary - May 2015. Collection method: clinical testing. Allele origin: germline.
Comment: Variant summary: NPHP3 c.2369T>C (p.Leu790Pro) results in a non-conservative amino acid change in the encoded protein sequence. Five of five in-silico tools predict a damaging effect of the variant on protein function. The variant allele was found at a frequency of 2e-05 in 251386 control chromosomes. c.2369T>C has been reported in the literature as a biallelic genotype in individuals affected with features of Nephronophthisis-related ciliopathies/kidney failure (example, Halbritter_2013, Chen_2021, Abdullah_2017). These data indicate that the variant is likely to be associated with disease. To our knowledge, no experimental evidence demonstrating an impact on protein function has been reported. One clinical diagnostic laboratory has submitted clinical-significance assessments for this variant to ClinVar after 2014 without evidence for independent evaluation and laboratory classified the variant as likely pathogenic. Based on the evidence outlined above, the variant was classified as likely pathogenic.

Eurofins Ntd Llc (ga)
Classification: Likely pathogenic. Last evaluated: 2016-07-20. Review status: criteria provided, single submitter. Criteria: EGL Classification Definitions. Collection method: clinical testing. Allele origin: germline. Observed: 1 variant allele, 1 heterozygote.

Juno Genomics, Hangzhou Juno Genomics, Inc
Classification: Likely pathogenic for NPHP3-related Meckel-like syndrome; Nephronophthisis 3; Renal-hepatic-pancreatic dysplasia 1. Review status: criteria provided, single submitter. Criteria: ACMG Guidelines, 2015. Collection method: clinical testing. Allele origin: germline. Affected: yes.
Comment: Absent from controls (or at extremely low frequency if recessive) in Genome Aggregation Database, Exome Sequencing Project, 1000 Genomes Project, or Exome Aggregation Consortium.;Multiple lines of computational evidence support a deleterious effect on the gene or gene product (conservation, evolutionary, splicing impact, etc).;For recessive disorders, detected in trans with a pathogenic variant.;Patient's phenotype or family history is highly specific for a disease with a single genetic etiology.

PreventionGenetics, part of Exact Sciences
Classification: Likely pathogenic for NPHP3-related condition. Last evaluated: 2024-05-08. Review status: no assertion criteria provided. Collection method: clinical testing. Allele origin: germline. Not counted in ClinVar's aggregate classification.
Comment: The NPHP3 c.2369T>C variant is predicted to result in the amino acid substitution p.Leu790Pro. This variant has been reported in the compound heterozygous state in multiple individuals with nephronophthisis-related ciliopathies (Table 2, Halbritter et al. 2013. PubMed ID: 23559409; Table S2, Chen et al. 2021. PubMed ID: 34031707; Table 1, Sun et al. 2016. PubMed ID: 26184788). This variant has also been reported in the compound heterozygous state in multiple individuals with early onset end stage renal disease (Table 1, Tang et al. 2020. PubMed ID: 33323469). This variant is reported in 0.027% of alleles in individuals of East Asian descent in gnomAD. This variant is interpreted as likely pathogenic.

Literature cited by the submitters: PubMed 23559409 (cited by Victorian Clinical Genetics Services, Murdoch Childrens Research Institute and Women's Health and Genetics/Laboratory Corporation of America, LabCorp); PubMed 26184788 (cited by Victorian Clinical Genetics Services, Murdoch Childrens Research Institute and Labcorp Genetics (formerly Invitae), Labcorp); PubMed 33323469 (cited by Victorian Clinical Genetics Services, Murdoch Childrens Research Institute and Labcorp Genetics (formerly Invitae), Labcorp); PubMed 31131822 (cited by Labcorp Genetics (formerly Invitae), Labcorp); PubMed 34031707 (cited by Labcorp Genetics (formerly Invitae), Labcorp and Women's Health and Genetics/Laboratory Corporation of America, LabCorp); PubMed 28921755 (cited by Women's Health and Genetics/Laboratory Corporation of America, LabCorp).

NM_153240.5(NPHP3):c.2369T>C (p.Leu790Pro)

Genes: NPHP3 (nephrocystin 3; minus strand), NPHP3-ACAD11 (NPHP3-ACAD11 readthrough (NMD candidate); minus strand). Cytogenetic location: 3q22.1.
Variant type: single nucleotide variant.
Coding change: c.2369T>C on transcript NM_153240.5 (MANE Select); coding-DNA position 2369, T replaced by C.
Protein change: p.Leu790Pro; replaces leucine 790 with proline.
Molecular consequence: missense variant. On other transcripts: non-coding transcript variant (1).
Genome position (GRCh38, 1-based): chr3:132,692,760, A>G on the plus strand (T>C on the coding strand, the complement: NPHP3 is on the minus strand). VCF-style: chr3-132692760-A-G. GRCh37 (hg19) VCF-style: chr3-132411604-A-G.
Other names: short protein forms L790P.
Identifiers: ClinVar variation 96511 (VCV000096511.18), dbSNP rs398124546, ClinGen allele CA201362.
Genomic context (GRCh38, chr3:132,692,760, plus strand): 5'-CACATTTTGTATAAACTGTGAATAAGGGAGGTCAAGAAAGTCCAGGACATCTCAGGATAG[A>G]GTTCCATCAGTTCTGATTCACTCACACCATTGTGACTAACATTGACAAGGCAGAGGATCT-3'
Protein context (NP_694972.3, residues 780-800): NGVSESELME[Leu790Pro]YPEMSWTFLT